The following is an entry in ClinVar:

NM_001159699.2(FHL1):c.672C>G (p.Tyr224Ter)

Gene: FHL1 (four and a half LIM domains 1; plus strand). Cytogenetic location: Xq26.3.
Variant type: single nucleotide variant.
Coding change: c.672C>G on transcript NM_001159699.2 (MANE Select); coding-DNA position 672, C replaced by G.
Protein change: p.Tyr224Ter; replaces tyrosine 224 with a stop codon.
Molecular consequence: nonsense. On other transcripts: non-coding transcript variant (1), intron variant (2).
Genome position (GRCh38, 1-based): chrX:136,208,577, C>G. VCF-style: chrX-136208577-C-G. GRCh37 (hg19) VCF-style: chrX-135290736-C-G.
Other names: c.624C>G, p.Tyr208Ter (NM_001159700.2, NM_001159702.3, NM_001159704.1 and 8 more transcripts); c.711C>G, p.Tyr237Ter (NM_001159701.2); c.501+616C>G (NM_001159703.2); c.549+616C>G (NM_001330659.2); short protein forms Y208*, Y224*, Y237*.
Identifiers: ClinVar variation 2006787 (VCV002006787.4), dbSNP rs1414530313, ClinGen allele CA414608969.

ClinVar aggregate classification (germline): Pathogenic (1 of 4 stars; one submission).

Conditions:
X-linked myopathy with postural muscle atrophy. Also called: FHL1-Related Emery-Dreifuss Muscular Dystrophy, X-Linked. Identifiers: Orphanet 178461, MedGen C2678055, MONDO:0010401, OMIM 300696.

Submission:

Labcorp Genetics (formerly Invitae), Labcorp
Classification: Pathogenic for X-linked myopathy with postural muscle atrophy. Last evaluated: 2022-06-14. Review status: criteria provided, single submitter. Criteria: Invitae Variant Classification Sherloc (09022015). Collection method: clinical testing. Allele origin: germline.
Comment: For these reasons, this variant has been classified as Pathogenic. This variant has not been reported in the literature in individuals affected with FHL1-related conditions. This variant is not present in population databases (gnomAD no frequency). This sequence change creates a premature translational stop signal (p.Tyr208*) in the FHL1 gene. It is expected to result in an absent or disrupted protein product. Loss-of-function variants in FHL1 are known to be pathogenic (PMID: 18179888, 19687455, 19716112, 22523091, 24114807).

Literature cited by the submitters: PubMed 18179888; PubMed 19687455; PubMed 19716112; PubMed 22523091; PubMed 24114807.